The following is an entry in ClinVar:

NM_001005242.3(PKP2):c.920G>T (p.Ser307Ile)

Gene: PKP2 (plakophilin 2; minus strand). Cytogenetic location: 12p11.21.
Variant type: single nucleotide variant.
Coding change: c.920G>T on transcript NM_001005242.3 (MANE Select); coding-DNA position 920, G replaced by T.
Protein change: p.Ser307Ile; replaces serine 307 with isoleucine.
Molecular consequence: missense variant.
Genome position (GRCh38, 1-based): chr12:32,877,960, C>A on the plus strand (G>T on the coding strand, the complement: PKP2 is on the minus strand). VCF-style: chr12-32877960-C-A. GRCh37 (hg19) VCF-style: chr12-33030894-C-A.
Other names: c.920G>T, p.Ser307Ile (NM_001407155.1, NM_001407156.1, NM_001407157.1 and 2 more transcripts); c.593G>T, p.Ser198Ile (NM_001407158.1, NM_001407159.1, NM_001407160.1 and 1 more transcripts); short protein forms S307I, S198I.
Identifiers: ClinVar variation 2040095 (VCV002040095.4), dbSNP rs1329110314, ClinGen allele CA384362025.
Genomic context (GRCh38, chr12:32,877,960, plus strand): 5'-CCTGCGGCCGCCTGGCCGACAGTCAAGTGCGCTCTCCTCCCGCTGGAATCCACGGCGACA[C>A]TGGGCCCAGCTTCCCTCAGCGTGCGGGTGCTGTGGAAGGAGCTCTGATGCCAGGAGGACC-3'
Protein context (NP_001005242.2, residues 297-317): STRTLREAGP[Ser307Ile]VAVDSSGRRA

ClinVar aggregate classification (germline): Uncertain significance (1 of 4 stars; one submission).

Conditions:
Arrhythmogenic right ventricular dysplasia 9 (ARVD9). Also called: ARRHYTHMOGENIC RIGHT VENTRICULAR DYSPLASIA, FAMILIAL, 9; Arrhythmogenic Right Ventricular Dysplasia/Cardiomyopathy 9. Identifiers: MedGen C1836906, MONDO:0012180, OMIM 609040.

Allele frequency attached by ClinVar (database versions not stated): gnomAD exomes below 0.00001.
gnomAD v4.1: 1 of 1,614,162 alleles (0.000062%); highest among the groups gnomAD compares: South Asian, 0.0011%; no homozygotes.

Submission:

Labcorp Genetics (formerly Invitae), Labcorp
Classification: Uncertain significance for Arrhythmogenic right ventricular dysplasia 9. Last evaluated: 2022-02-05. Review status: criteria provided, single submitter. Criteria: Invitae Variant Classification Sherloc (09022015). Collection method: clinical testing. Allele origin: germline.
Comment: In summary, the available evidence is currently insufficient to determine the role of this variant in disease. Therefore, it has been classified as a Variant of Uncertain Significance. Algorithms developed to predict the effect of missense changes on protein structure and function (SIFT, PolyPhen-2, Align-GVGD) all suggest that this variant is likely to be tolerated. This variant has not been reported in the literature in individuals affected with PKP2-related conditions. This variant is present in population databases (no rsID available, gnomAD 0.003%). This sequence change replaces serine, which is neutral and polar, with isoleucine, which is neutral and non-polar, at codon 307 of the PKP2 protein (p.Ser307Ile).